The following is an entry in ClinVar:

ClinVar aggregate classification (germline): Uncertain significance. Review status: criteria provided, multiple submitters, no conflicts (2 of 4 stars). 5 submissions from 5 submitters: Uncertain significance (5). Last evaluated 2025-11-23.

Conditions:
Mismatch repair cancer syndrome 3. Identifiers: MedGen C5436807, MONDO:0030841, OMIM 619097.
Endometrial carcinoma. Also called: Endometrial carcinoma, somatic. Identifiers: MedGen C0476089, MONDO:0002447, OMIM 608089, HP:0012114.
Lynch syndrome 5 (LYNCH5). Also called: Hereditary non-polyposis colorectal cancer, type 5; Colorectal cancer, hereditary nonpolyposis, type 5. Identifiers: Orphanet 144, MedGen C1833477, MONDO:0013710, OMIM 614350. Disease mechanism: loss of function.
Hereditary nonpolyposis colorectal neoplasms. Identifiers: MedGen C0009405, MeSH D003123.
Hereditary cancer-predisposing syndrome. Also called: Hereditary neoplastic syndrome; Neoplastic Syndromes, Hereditary; Tumor predisposition; Hereditary Cancer Syndrome. Identifiers: Orphanet 140162, MedGen C0027672, MeSH D009386, MONDO:0015356.

Allele frequency attached by ClinVar (database versions not stated): gnomAD exomes below 0.00001 and 0.00001; ExAC 0.00001.
gnomAD v4.1: 5 of 1,613,978 alleles (0.00031%); highest among the groups gnomAD compares: South Asian, 0.0022%; no homozygotes.

Submissions (5):

Labcorp Genetics (formerly Invitae), Labcorp
Classification: Uncertain significance for Hereditary nonpolyposis colorectal neoplasms. Last evaluated: 2025-11-23. Review status: criteria provided, single submitter. Criteria: Invitae Variant Classification Sherloc (09022015). Collection method: clinical testing. Allele origin: germline.
Comment: This sequence change replaces arginine, which is basic and polar, with cysteine, which is neutral and slightly polar, at codon 791 of the MSH6 protein (p.Arg791Cys). This variant is present in population databases (rs749918474, gnomAD 0.003%). This missense change has been observed in individual(s) with clinical features of Lynch syndrome (PMID: 31391288). ClinVar contains an entry for this variant (Variation ID: 185830). Invitae Evidence Modeling incorporating data from in vitro experimental studies (internal data) indicates that this missense variant is not expected to disrupt MSH6 function with a negative predictive value of 95%. In summary, the available evidence is currently insufficient to determine the role of this variant in disease. Therefore, it has been classified as a Variant of Uncertain Significance.

Ambry Genetics
Classification: Uncertain significance for Hereditary cancer-predisposing syndrome. Last evaluated: 2025-03-27. Review status: criteria provided, single submitter. Criteria: Ambry Variant Classification Scheme 2023. Collection method: clinical testing. Allele origin: germline.
Comment: The p.R791C variant (also known as c.2371C>T), located in coding exon 4 of the MSH6 gene, results from a C to T substitution at nucleotide position 2371. The arginine at codon 791 is replaced by cysteine, an amino acid with highly dissimilar properties. This amino acid position is highly conserved in available vertebrate species. In addition, this alteration is predicted to be deleterious by in silico analysis. Based on the available evidence, the clinical significance of this alteration remains unclear.

Department of Pathology and Laboratory Medicine, Sinai Health System
Classification: Uncertain significance for Endometrial carcinoma; Lynch syndrome 5; Mismatch repair cancer syndrome 3. Last evaluated: 2024-11-07. Review status: criteria provided, single submitter. Criteria: ACMG Guidelines, 2015. Collection method: clinical testing. Allele origin: germline.

Baylor Genetics
Classification: Uncertain significance for Endometrial carcinoma. Last evaluated: 2024-02-27. Review status: criteria provided, single submitter. Criteria: ACMG Guidelines, 2015. Collection method: clinical testing. Allele origin: unknown.

Color Diagnostics, LLC DBA Color Health
Classification: Uncertain significance for Hereditary cancer-predisposing syndrome. Last evaluated: 2021-04-21. Review status: criteria provided, single submitter. Criteria: ACMG Guidelines, 2015. Collection method: clinical testing. Allele origin: germline.
Comment: This missense variant replaces arginine with cysteine at codon 791 of the MSH6 protein. Computational prediction suggests that this variant may have deleterious impact on protein structure and function (internally defined REVEL score threshold >= 0.7, PMID: 27666373). To our knowledge, functional studies have not been reported for this variant. This variant has been reported in an individual affected pancreatic cancer (PMID: 25855536). This variant has been identified in 1/250974 chromosomes in the general population by the Genome Aggregation Database (gnomAD). The available evidence is insufficient to determine the role of this variant in disease conclusively. Therefore, this variant is classified as a Variant of Uncertain Significance.

Literature cited by the submitters: PubMed 31391288 (cited by Labcorp Genetics (formerly Invitae), Labcorp); PubMed 28585536 (cited by Department of Pathology and Laboratory Medicine, Sinai Health System).

NM_000179.3(MSH6):c.2371C>T (p.Arg791Cys)

Gene: MSH6 (mutS homolog 6; plus strand). Cytogenetic location: 2p16.3.
Variant type: single nucleotide variant.
Coding change: c.2371C>T on transcript NM_000179.3 (MANE Select); coding-DNA position 2371, C replaced by T.
Protein change: p.Arg791Cys; replaces arginine 791 with cysteine.
Molecular consequence: missense variant.
Genome position (GRCh38, 1-based): chr2:47,800,354, C>T. VCF-style: chr2-47800354-C-T. GRCh37 (hg19) VCF-style: chr2-48027493-C-T.
Other names: c.1981C>T, p.Arg661Cys (NM_001281492.2); c.1465C>T, p.Arg489Cys (NM_001281493.2, NM_001281494.2); short protein forms R791C, R661C, R489C.
Identifiers: ClinVar variation 185830 (VCV000185830.21), dbSNP rs749918474, ClinGen allele CA010130.